The following is an entry in ClinVar:

NM_000522.5(HOXA13):c.394G>A (p.Ala132Thr)

Genes: HOXA13 (homeobox A13; minus strand), LOC107126288 (NUP98-HOXA13 recombination region; plus strand). Cytogenetic location: 7p15.2.
Variant type: single nucleotide variant.
Coding change: c.394G>A on transcript NM_000522.5 (MANE Select); coding-DNA position 394, G replaced by A.
Protein change: p.Ala132Thr; replaces alanine 132 with threonine.
Molecular consequence: missense variant.
Genome position (GRCh38, 1-based): chr7:27,199,684, C>T on the plus strand (G>A on the coding strand, the complement: HOXA13 is on the minus strand). VCF-style: chr7-27199684-C-T. GRCh37 (hg19) VCF-style: chr7-27239303-C-T.
Other names: short protein forms A132T.
Identifiers: ClinVar variation 3526236 (VCV003526236.3).

ClinVar aggregate classification (germline): Uncertain significance. Review status: criteria provided, multiple submitters, no conflicts (2 of 4 stars). 2 submissions from 2 submitters: Uncertain significance (2). Last evaluated 2024-09-14.

Conditions:
Inborn genetic diseases. Identifiers: MedGen C0950123, MeSH D030342.

Submissions (2):

Labcorp Genetics (formerly Invitae), Labcorp
Classification: Uncertain significance. Last evaluated: 2024-09-14. Review status: criteria provided, single submitter. Criteria: Invitae Variant Classification Sherloc (09022015). Collection method: clinical testing. Allele origin: germline.
Comment: This sequence change replaces alanine, which is neutral and non-polar, with threonine, which is neutral and polar, at codon 132 of the HOXA13 protein (p.Ala132Thr). The frequency data for this variant in the population databases is considered unreliable, as metrics indicate insufficient coverage at this position in the gnomAD database. This variant has not been reported in the literature in individuals affected with HOXA13-related conditions. Experimental studies and prediction algorithms are not available or were not evaluated, and the functional significance of this variant is currently unknown. In summary, the available evidence is currently insufficient to determine the role of this variant in disease. Therefore, it has been classified as a Variant of Uncertain Significance.

Ambry Genetics
Classification: Uncertain significance for Inborn genetic diseases. Last evaluated: 2024-09-04. Review status: criteria provided, single submitter. Criteria: Ambry Variant Classification Scheme 2023. Collection method: clinical testing. Allele origin: germline.